The following is an entry in ClinVar:

ClinVar aggregate classification (germline): Uncertain significance (1 of 4 stars; one submission).

Submission:

CeGaT Center for Human Genetics Tuebingen
Classification: Uncertain significance. Last evaluated: 2025-10-01. Review status: criteria provided, single submitter. Criteria: CeGaT Center For Human Genetics Tuebingen Variant Classification Criteria Version 2. Collection method: clinical testing. Allele origin: germline. Affected: yes. Observed: 1 variant allele.
Comment: DLL1: PM2

NM_005618.4(DLL1):c.1829C>A (p.Thr610Lys)

Gene: DLL1 (delta like canonical Notch ligand 1; minus strand). Cytogenetic location: 6q27.
Variant type: single nucleotide variant.
Coding change: c.1829C>A on transcript NM_005618.4 (MANE Select); coding-DNA position 1829, C replaced by A.
Protein change: p.Thr610Lys; replaces threonine 610 with lysine.
Molecular consequence: missense variant.
Genome position (GRCh38, 1-based): chr6:170,283,450, G>T on the plus strand (C>A on the coding strand, the complement: DLL1 is on the minus strand). VCF-style: chr6-170283450-G-T. GRCh37 (hg19) VCF-style: chr6-170592538-G-T.
Other names: short protein forms T610K.
Identifiers: ClinVar variation 4534981 (VCV004534981.6).